The following is an entry in ClinVar:

NM_004006.3(DMD):c.7891C>T (p.Arg2631Cys)

Gene: DMD (dystrophin; minus strand). Cytogenetic location: Xp21.1.
Variant type: single nucleotide variant.
Coding change: c.7891C>T on transcript NM_004006.3 (MANE Select); coding-DNA position 7891, C replaced by T.
Protein change: p.Arg2631Cys; replaces arginine 2631 with cysteine.
Molecular consequence: missense variant.
Genome position (GRCh38, 1-based): chrX:31,658,126, G>A on the plus strand (C>T on the coding strand, the complement: DMD is on the minus strand). VCF-style: chrX-31658126-G-A. GRCh37 (hg19) VCF-style: chrX-31676243-G-A.
Other names: c.7867C>T, p.Arg2623Cys (NM_000109.4); c.7879C>T, p.Arg2627Cys (NM_004009.3); c.7522C>T, p.Arg2508Cys (NM_004010.3); c.3868C>T, p.Arg1290Cys (NM_004011.4); c.3859C>T, p.Arg1287Cys (NM_004012.4); c.511C>T, p.Arg171Cys (NM_004013.3, NM_004020.4, NM_004021.3 and 2 more transcripts); short protein forms R1287C, R2623C, R171C, R2508C, R1290C, R2627C, R2631C.
Identifiers: ClinVar variation 2200752 (VCV002200752.6), dbSNP rs769601403, ClinGen allele CA10378187.

ClinVar aggregate classification (germline): Conflicting classifications of pathogenicity. Review status: criteria provided, conflicting classifications (1 of 4 stars). 2 submissions from 2 submitters: Uncertain significance (1); Likely benign (1). Last evaluated 2024-03-01.

Conditions:
Cardiovascular phenotype. Identifiers: MedGen CN230736.
Duchenne muscular dystrophy (DMD). Also called: MUSCULAR DYSTROPHY, PSEUDOHYPERTROPHIC PROGRESSIVE, DUCHENNE TYPE; Duchenne Muscular Dystrophy (DMD). Identifiers: Orphanet 98896, MedGen C0013264, MONDO:0010679, OMIM 310200.

Allele frequency attached by ClinVar (database versions not stated): gnomAD exomes below 0.00001; TOPMed below 0.00001; ExAC 0.00001; gnomAD 0.00001.
gnomAD v4.1: 4 of 1,209,837 alleles (0.00033%); highest among the groups gnomAD compares: Non-Finnish European, 0.00034%; no homozygotes.

Submissions (2):

Labcorp Genetics (formerly Invitae), Labcorp
Classification: Likely benign for Duchenne muscular dystrophy. Last evaluated: 2024-03-01. Review status: criteria provided, single submitter. Criteria: Invitae Variant Classification Sherloc (09022015). Collection method: clinical testing. Allele origin: germline.

Ambry Genetics
Classification: Uncertain significance for Cardiovascular phenotype. Last evaluated: 2023-04-24. Review status: criteria provided, single submitter. Criteria: Ambry Variant Classification Scheme 2023. Collection method: clinical testing. Allele origin: germline.
Comment: The p.R2631C variant (also known as c.7891C>T), located in coding exon 54 of the DMD gene, results from a C to T substitution at nucleotide position 7891. The arginine at codon 2631 is replaced by cysteine, an amino acid with highly dissimilar properties. Based on data from gnomAD, the T allele has an overall frequency of <0.01% (2/205171) total alleles studied, with 2 hemizygote(s) observed. The highest observed frequency was <0.01% (2/92601) of European (non-Finnish) alleles. This amino acid position is well conserved in available vertebrate species. In addition, this alteration is predicted to be tolerated by in silico analysis. Since supporting evidence is limited at this time, the clinical significance of this alteration remains unclear.